The following is an entry in ClinVar:

ClinVar aggregate classification (germline): Uncertain significance (1 of 4 stars; one submission).

gnomAD v4.1: 8 of 1,612,900 alleles (0.0005%); highest among the groups gnomAD compares: African/African-American, 0.0093%; no homozygotes.

Submission:

Women's Health and Genetics/Laboratory Corporation of America, LabCorp
Classification: Uncertain significance. Last evaluated: 2025-11-07. Review status: criteria provided, single submitter. Criteria: LabCorp Variant Classification Summary - May 2015. Collection method: clinical testing. Allele origin: germline.
Comment: Variant summary: HERC2 c.4261T>G (p.Leu1421Val) results in a conservative amino acid change in the encoded protein sequence. Algorithms developed to predict the effect of missense changes on protein structure and function are either unavailable or do not agree on the potential impact of this missense change. The variant allele was found at a frequency of 8e-06 in 250294 control chromosomes. The available data on variant occurrences in the general population are insufficient to allow any conclusion about variant significance. To our knowledge, no occurrence of c.4261T>G in individuals affected with HERC2-related conditions and no experimental evidence demonstrating its impact on protein function have been reported. No submitters have cited clinical-significance assessments for this variant to ClinVar. Based on the evidence outlined above, the variant was classified as uncertain significance.

NM_004667.6(HERC2):c.4261T>G (p.Leu1421Val)

Gene: HERC2 (HECT and RLD domain containing E3 ubiquitin protein ligase 2; minus strand). Cytogenetic location: 15q13.1.
Variant type: single nucleotide variant.
Coding change: c.4261T>G on transcript NM_004667.6 (MANE Select); coding-DNA position 4261, T replaced by G.
Protein change: p.Leu1421Val; replaces leucine 1421 with valine.
Molecular consequence: missense variant.
Genome position (GRCh38, 1-based): chr15:28,233,754, A>C on the plus strand (T>G on the coding strand, the complement: HERC2 is on the minus strand). VCF-style: chr15-28233754-A-C. GRCh37 (hg19) VCF-style: chr15-28478900-A-C.
Other names: short protein forms L1421V.
Identifiers: ClinVar variation 4536973 (VCV004536973.1).